The following is an entry in ClinVar:

ClinVar aggregate classification (germline): Uncertain significance (1 of 4 stars; one submission).

Allele frequency attached by ClinVar (database versions not stated): gnomAD exomes below 0.00001 and 0.00001; gnomAD 0.00001; TOPMed 0.00001.

Submission:

Labcorp Genetics (formerly Invitae), Labcorp
Classification: Uncertain significance. Last evaluated: 2022-07-19. Review status: criteria provided, single submitter. Criteria: Invitae Variant Classification Sherloc (09022015). Collection method: clinical testing. Allele origin: germline.
Comment: In summary, the available evidence is currently insufficient to determine the role of this variant in disease. Therefore, it has been classified as a Variant of Uncertain Significance. Algorithms developed to predict the effect of missense changes on protein structure and function (SIFT, PolyPhen-2, Align-GVGD) all suggest that this variant is likely to be tolerated. ClinVar contains an entry for this variant (Variation ID: 1373854). This variant has not been reported in the literature in individuals affected with HMCN1-related conditions. This variant is present in population databases (no rsID available, gnomAD 0.0009%). This sequence change replaces methionine, which is neutral and non-polar, with isoleucine, which is neutral and non-polar, at codon 1576 of the HMCN1 protein (p.Met1576Ile).

NM_031935.3(HMCN1):c.4728G>A (p.Met1576Ile)

Gene: HMCN1 (hemicentin 1; plus strand). Cytogenetic location: 1q31.1.
Variant type: single nucleotide variant.
Coding change: c.4728G>A on transcript NM_031935.3 (MANE Select); coding-DNA position 4728, G replaced by A.
Protein change: p.Met1576Ile; replaces methionine 1576 with isoleucine.
Molecular consequence: missense variant.
Genome position (GRCh38, 1-based): chr1:186,015,256, G>A. VCF-style: chr1-186015256-G-A. GRCh37 (hg19) VCF-style: chr1-185984388-G-A.
Other names: short protein forms M1576I.
Identifiers: ClinVar variation 1373854 (VCV001373854.6), dbSNP rs766255925, ClinGen allele CA343884941.